The following is an entry in ClinVar:

NM_182641.4(BPTF):c.1946G>A (p.Arg649Gln)

Gene: BPTF (bromodomain PHD finger transcription factor; plus strand). Cytogenetic location: 17q24.2.
Variant type: single nucleotide variant.
Coding change: c.1946G>A on transcript NM_182641.4 (MANE Select); coding-DNA position 1946, G replaced by A.
Protein change: p.Arg649Gln; replaces arginine 649 with glutamine.
Molecular consequence: missense variant.
Genome position (GRCh38, 1-based): chr17:67,891,925, G>A. VCF-style: chr17-67891925-G-A. GRCh37 (hg19) VCF-style: chr17-65888041-G-A.
Other names: c.2324G>A, p.Arg775Gln (NM_004459.7); short protein forms R649Q, R775Q.
Identifiers: ClinVar variation 2878029 (VCV002878029.3), dbSNP rs773926002, ClinGen allele CA8725354.

ClinVar aggregate classification (germline): Uncertain significance (1 of 4 stars; one submission).

Allele frequency attached by ClinVar (database versions not stated): TOPMed 0.00001; ExAC 0.00006.
gnomAD v4.1: 21 of 1,612,784 alleles (0.0013%); highest among the groups gnomAD compares: Non-Finnish European, 0.0014%; no homozygotes.

Submission:

Labcorp Genetics (formerly Invitae), Labcorp
Classification: Uncertain significance. Last evaluated: 2023-12-11. Review status: criteria provided, single submitter. Criteria: Invitae Variant Classification Sherloc (09022015). Collection method: clinical testing. Allele origin: germline.
Comment: This sequence change replaces arginine, which is basic and polar, with glutamine, which is neutral and polar, at codon 775 of the BPTF protein (p.Arg775Gln). This variant is present in population databases (rs773926002, gnomAD 0.009%). This variant has not been reported in the literature in individuals affected with BPTF-related conditions. An algorithm developed to predict the effect of missense changes on protein structure and function (PolyPhen-2) suggests that this variant is likely to be disruptive. In summary, the available evidence is currently insufficient to determine the role of this variant in disease. Therefore, it has been classified as a Variant of Uncertain Significance.